The following is an entry in ClinVar:

NM_000384.3(APOB):c.5980C>G (p.Gln1994Glu)

Gene: APOB (apolipoprotein B; minus strand). Cytogenetic location: 2p24.1.
Variant type: single nucleotide variant.
Coding change: c.5980C>G on transcript NM_000384.3 (MANE Select); coding-DNA position 5980, C replaced by G.
Protein change: p.Gln1994Glu; replaces glutamine 1994 with glutamic acid.
Molecular consequence: missense variant.
Genome position (GRCh38, 1-based): chr2:21,010,888, G>C on the plus strand (C>G on the coding strand, the complement: APOB is on the minus strand). VCF-style: chr2-21010888-G-C. GRCh37 (hg19) VCF-style: chr2-21233760-G-C.
Other names: short protein forms Q1994E.
Identifiers: ClinVar variation 4862905 (VCV004862905.2).

ClinVar aggregate classification (germline): Uncertain significance (1 of 4 stars; one submission).

Conditions:
Cardiovascular phenotype. Identifiers: MedGen CN230736.

Submission:

Ambry Genetics
Classification: Uncertain significance for Cardiovascular phenotype. Last evaluated: 2026-09-11. Review status: criteria provided, single submitter. Criteria: Ambry Variant Classification Scheme 2023. Collection method: clinical testing. Allele origin: germline.
Comment: The p.Q1994E variant (also known as c.5980C>G), located in coding exon 26 of the APOB gene, results from a C to G substitution at nucleotide position 5980. The glutamine at codon 1994 is replaced by glutamic acid, an amino acid with highly similar properties. This amino acid position is conserved. In addition, this alteration is predicted to be tolerated by in silico analysis. Based on the available evidence, the clinical significance of this variant remains unclear.